The following is an entry in ClinVar:

ClinVar aggregate classification (germline): Uncertain significance (1 of 4 stars; one submission).

gnomAD v4.1: 5 of 1,613,762 alleles (0.00031%); highest among the groups gnomAD compares: Admixed American, 0.0067%; no homozygotes.

Submission:

Labcorp Genetics (formerly Invitae), Labcorp
Classification: Uncertain significance. Last evaluated: 2024-10-29. Review status: criteria provided, single submitter. Criteria: Invitae Variant Classification Sherloc (09022015). Collection method: clinical testing. Allele origin: germline.
Comment: This sequence change replaces serine, which is neutral and polar, with asparagine, which is neutral and polar, at codon 303 of the MFSD2A protein (p.Ser303Asn). This variant is present in population databases (no rsID available, gnomAD 0.003%). This variant has not been reported in the literature in individuals affected with MFSD2A-related conditions. Invitae Evidence Modeling of protein sequence and biophysical properties (such as structural, functional, and spatial information, amino acid conservation, physicochemical variation, residue mobility, and thermodynamic stability) indicates that this missense variant is not expected to disrupt MFSD2A protein function with a negative predictive value of 80%. In summary, the available evidence is currently insufficient to determine the role of this variant in disease. Therefore, it has been classified as a Variant of Uncertain Significance.

NM_032793.5(MFSD2A):c.869G>A (p.Ser290Asn)

Gene: MFSD2A (MFSD2 lysolipid transporter A, lysophospholipid; plus strand). Cytogenetic location: 1p34.2.
Variant type: single nucleotide variant.
Coding change: c.869G>A on transcript NM_032793.5 (MANE Select); coding-DNA position 869, G replaced by A.
Protein change: p.Ser290Asn; replaces serine 290 with asparagine.
Molecular consequence: missense variant. On other transcripts: non-coding transcript variant (1).
Genome position (GRCh38, 1-based): chr1:39,966,874, G>A. VCF-style: chr1-39966874-G-A. GRCh37 (hg19) VCF-style: chr1-40432546-G-A.
Other names: c.908G>A, p.Ser303Asn (NM_001136493.3); c.401G>A, p.Ser134Asn (NM_001287808.2); c.752G>A, p.Ser251Asn (NM_001287809.2); c.863G>A, p.Ser288Asn (NM_001349821.2); c.869G>A, p.Ser290Asn (NM_001349822.2); c.524G>A, p.Ser175Asn (NM_001349823.2); short protein forms S134N, S175N, S251N, S288N, S290N, S303N.
Identifiers: ClinVar variation 3616953 (VCV003616953.2).